The following is an entry in ClinVar:

NM_016219.5(MAN1B1):c.410C>T (p.Pro137Leu)

Gene: MAN1B1 (mannosidase alpha class 1B member 1; plus strand). Cytogenetic location: 9q34.3.
Variant type: single nucleotide variant.
Coding change: c.410C>T on transcript NM_016219.5 (MANE Select); coding-DNA position 410, C replaced by T.
Protein change: p.Pro137Leu; replaces proline 137 with leucine.
Molecular consequence: missense variant. On other transcripts: non-coding transcript variant (2).
Genome position (GRCh38, 1-based): chr9:137,088,950, C>T. VCF-style: chr9-137088950-C-T. GRCh37 (hg19) VCF-style: chr9-139983402-C-T.
Other names: c.302C>T, p.Pro101Leu (NM_007230.1); short protein forms P101L, P137L.
Identifiers: ClinVar variation 1962432 (VCV001962432.5), dbSNP rs992384640, ClinGen allele CA375673194.

ClinVar aggregate classification (germline): Uncertain significance (1 of 4 stars; one submission).

Conditions:
Rafiq syndrome (RAFQS). Identifiers: Orphanet 88616, MedGen C3280127, MONDO:0013624, OMIM 614202.

gnomAD v4.1: 3 of 1,614,000 alleles (0.00019%); highest among the groups gnomAD compares: Non-Finnish European, 0.00017%; no homozygotes.

Submission:

Labcorp Genetics (formerly Invitae), Labcorp
Classification: Uncertain significance for Rafiq syndrome. Last evaluated: 2025-03-17. Review status: criteria provided, single submitter. Criteria: Invitae Variant Classification Sherloc (09022015). Collection method: clinical testing. Allele origin: germline.
Comment: This sequence change replaces proline, which is neutral and non-polar, with leucine, which is neutral and non-polar, at codon 137 of the MAN1B1 protein (p.Pro137Leu). This variant is present in population databases (no rsID available, gnomAD 0.0009%). This variant has not been reported in the literature in individuals affected with MAN1B1-related conditions. ClinVar contains an entry for this variant (Variation ID: 1962432). An algorithm developed to predict the effect of missense changes on protein structure and function (PolyPhen-2) suggests that this variant is likely to be tolerated. In summary, the available evidence is currently insufficient to determine the role of this variant in disease. Therefore, it has been classified as a Variant of Uncertain Significance.